The following is an entry in ClinVar:

NM_016556.4(PSMC3IP):c.614del (p.Glu205fs)

Genes: MLX (MAX dimerization protein MLX; plus strand), PSMC3IP (PSMC3 interacting protein; minus strand). Cytogenetic location: 17q21.2.
Variant type: Deletion.
Coding change: c.614del on transcript NM_016556.4 (MANE Select); coding-DNA position 614, one base deleted (A; older notation c.614delA).
Protein change: p.Glu205fs; shifts the reading frame from glutamic acid 205.
Molecular consequence: frameshift variant. On other transcripts: non-coding transcript variant (3), 3 prime UTR variant (3).
Genome position (GRCh38, 1-based): chr17:42,573,008, T deleted on the plus strand (A on the coding strand, the reverse complement: PSMC3IP is on the minus strand). VCF-style (leftmost placement, unchanged base first): chr17-42573007-CT-C. GRCh37 (hg19) VCF-style: chr17-40725025-CT-C.
Other names: c.377delA (NM_001256016.1); c.425del, p.Glu142fs (NM_001256014.2); c.377del, p.Glu126fs (NM_001256015.2, NM_001256016.2); c.578del, p.Glu193fs (NM_013290.7); c.*1405del (NM_170607.3, NM_198204.2, NM_198205.2); short protein forms E126fs, E142fs, E193fs, E205fs.
Identifiers: ClinVar variation 812136 (VCV000812136.1), dbSNP rs1597722169, ClinGen allele CA915950014.
Genomic context (GRCh38, chr17:42,573,007, plus strand): 5'-CCAGTCCTGACCGTGGGCCCCTCAGGGGTCTGGGAGTGTGACGTTGTAATCTTCATCCGT[CT>C]CTATCCCAACTTCCTCCTGTGAGACAGGGAGACAAGTGAATGAGATGTCACCAGGATAAG-3'

ClinVar aggregate classification (germline): Pathogenic (1 of 4 stars; one submission).

Conditions:
Ovarian dysgenesis 3 (ODG3). Identifiers: Orphanet 243, MedGen C3280471, MONDO:0013689, OMIM 614324.

Submission:

Lupski Lab, Baylor-Hopkins CMG, Baylor College of Medicine
Classification: Pathogenic for Ovarian dysgenesis 3. Last evaluated: 2019-04-22. Review status: criteria provided, single submitter. Criteria: Jolly et al. (J Clin Endocrinol Metab. 2019). Collection method: research. Allele origin: inherited, unknown. Inheritance: Autosomal recessive inheritance. Affected: yes and no. Observed: 4 variant alleles, 3 heterozygotes, 1 homozygote. Clinical features observed: Hypergonadotropic hypogonadism (HP:0000815), Hashimoto thyroiditis (HP:0000872), Osteoporosis (HP:0000939).